The following is an entry in ClinVar:

NM_024996.7(GFM1):c.532C>T (p.Arg178Ter)

Gene: GFM1 (G elongation factor mitochondrial 1; plus strand). Cytogenetic location: 3q25.32.
Variant type: single nucleotide variant.
Coding change: c.532C>T on transcript NM_024996.7 (MANE Select); coding-DNA position 532, C replaced by T.
Protein change: p.Arg178Ter; replaces arginine 178 with a stop codon.
Molecular consequence: nonsense. On other transcripts: non-coding transcript variant (3), intron variant (4).
Genome position (GRCh38, 1-based): chr3:158,646,907, C>T. VCF-style: chr3-158646907-C-T. GRCh37 (hg19) VCF-style: chr3-158364696-C-T.
Other names: c.532C>T, p.Arg178Ter (NM_001308164.2, NM_001308166.2, NM_001374355.1 and 1 more transcripts); c.307C>T, p.Arg103Ter (NM_001374357.1); c.5+1126C>T (NM_001374359.1, NM_001374360.1, NM_001374361.1); c.234+1126C>T (NM_001374358.1); c.532C>T (NM_024996.5); short protein forms R178*, R103*.
Identifiers: ClinVar variation 1455378 (VCV001455378.10), dbSNP rs1721865059, ClinGen allele CA355176077.
Genomic context (GRCh38, chr3:158,646,907, plus strand): 5'-GTCAATCGTCAGATGAAGCGCTACAACGTTCCGTTTCTAACTTTTATTAACAAATTGGAC[C>T]GAATGGGCTCCAACCCAGCCAGGGCCCTGCAGCAAATGAGGTAATGAGCCTTAGAATAAA-3'

ClinVar aggregate classification (germline): Pathogenic/Likely pathogenic. Review status: criteria provided, multiple submitters, no conflicts (2 of 4 stars). 2 submissions from 2 submitters: Pathogenic (1); Likely pathogenic (1). Last evaluated 2025-09-22.

Conditions:
Hepatoencephalopathy due to combined oxidative phosphorylation defect type 1. Also called: HEPATOENCEPHALOPATHY, EARLY FATAL PROGRESSIVE. Identifiers: Orphanet 137681, MedGen C1836797, MONDO:0012191, OMIM 609060.

Allele frequency attached by ClinVar (database versions not stated): gnomAD exomes below 0.00001.
gnomAD v4.1: 3 of 1,614,014 alleles (0.00019%); highest among the groups gnomAD compares: South Asian, 0.0011%; no homozygotes.

Submissions (2):

Natera, Inc.
Classification: Likely pathogenic for Combined oxidative phosphorylation deficiency 1. Last evaluated: 2025-09-22. Review status: criteria provided, single submitter. Criteria: Natera Variant Classification Schema (03/2026). Collection method: clinical testing. Allele origin: germline.
Comment: The c.532C>T variant in GFM1 is a nonsense variant predicted to introduce a stop codon at amino acid 178. This variant is expected to result in nonsense mediated decay, truncation, or a dysfunctional protein product. This variant is rare in the general population with a frequency below the threshold expected for the associated phenotype(s). Given the available evidence, this variant is classified as Likely Pathogenic.

Labcorp Genetics (formerly Invitae), Labcorp
Classification: Pathogenic. Last evaluated: 2025-09-03. Review status: criteria provided, single submitter. Criteria: Invitae Variant Classification Sherloc (09022015). Collection method: clinical testing. Allele origin: germline.
Comment: This sequence change creates a premature translational stop signal (p.Arg178*) in the GFM1 gene. It is expected to result in an absent or disrupted protein product. Loss-of-function variants in GFM1 are known to be pathogenic (PMID: 16632485, 17160893). This variant is not present in population databases (gnomAD no frequency). This variant has not been reported in the literature in individuals affected with GFM1-related conditions. ClinVar contains an entry for this variant (Variation ID: 1455378). For these reasons, this variant has been classified as Pathogenic.

Literature cited by the submitters: PubMed 16632485 (cited by Labcorp Genetics (formerly Invitae), Labcorp); PubMed 17160893 (cited by Labcorp Genetics (formerly Invitae), Labcorp).